The following is an entry in ClinVar:

NM_004360.5(CDH1):c.45G>T (p.Leu15=)

Gene: CDH1 (cadherin 1; plus strand). Cytogenetic location: 16q22.1.
Variant type: single nucleotide variant.
Coding change: c.45G>T on transcript NM_004360.5 (MANE Select); coding-DNA position 45, G replaced by T.
Protein change: p.Leu15=; no amino-acid change (leucine 15 retained).
Molecular consequence: synonymous variant. On other transcripts: 5 prime UTR variant (2).
Genome position (GRCh38, 1-based): chr16:68,737,460, G>T. VCF-style: chr16-68737460-G-T. GRCh37 (hg19) VCF-style: chr16-68771363-G-T.
Other names: c.45G>T, p.Leu15= (NM_001317184.2); c.-1571G>T (NM_001317185.2); c.-1775G>T (NM_001317186.2); c.45G>T (NM_004360.3).
Identifiers: ClinVar variation 993184 (VCV000993184.3), dbSNP rs746331438, ClinGen allele CA496149576.
Genomic context (GRCh38, chr16:68,737,460, plus strand): 5'-GCGTCCCCGGCCAGCCATGGGCCCTTGGAGCCGCAGCCTCTCGGCGCTGCTGCTGCTGCT[G>T]CAGGTACCCCGGATCCCCTGACTTGCGAGGGACGCATTCGGGCCGCAAGCTCCGCGCCCC-3'
Protein context (NP_004351.1, residues 5-25): SRSLSALLLL[Leu15=]QVSSWLCQEP

ClinVar aggregate classification (germline): Conflicting classifications of pathogenicity. Review status: criteria provided, conflicting classifications (1 of 4 stars). 3 submissions from 3 submitters: Uncertain significance (1); Benign (1); Likely benign (1). Last evaluated 2026-01-23.

Conditions:
Hereditary cancer-predisposing syndrome. Also called: Tumor predisposition; Hereditary neoplastic syndrome; Hereditary Cancer Syndrome; Neoplastic Syndromes, Hereditary. Identifiers: Orphanet 140162, MedGen C0027672, MeSH D009386, MONDO:0015356.
Hereditary diffuse gastric adenocarcinoma (HDGC). Also called: DIFFUSE GASTRIC AND LOBULAR BREAST CANCER SYNDROME. Identifiers: Orphanet 26106, MedGen C1708349, MONDO:0007648, OMIM 137215.

Submissions (3):

Ambry Genetics
Classification: Likely benign for Hereditary cancer-predisposing syndrome. Last evaluated: 2026-01-23. Review status: criteria provided, single submitter. Criteria: Ambry Variant Classification Scheme 2023. Collection method: clinical testing. Allele origin: germline.

Myriad Genetics, Inc.
Classification: Benign for Hereditary diffuse gastric adenocarcinoma. Last evaluated: 2024-09-10. Review status: criteria provided, single submitter. Criteria: Myriad Autosomal Dominant, Autosomal Recessive and X-Linked Classification Criteria (2023). Collection method: clinical testing. Allele origin: unknown.
Comment: This variant is considered benign. This variant is a silent/synonymous amino acid change and it is not expected to impact splicing.

Quest Diagnostics Nichols Institute San Juan Capistrano
Classification: Uncertain significance. Last evaluated: 2020-04-01. Review status: criteria provided, single submitter. Criteria: Quest Diagnostics criteria. Collection method: clinical testing. Allele origin: unknown.